The following is an entry in ClinVar:

ClinVar aggregate classification (germline): Uncertain significance. Review status: criteria provided, multiple submitters, no conflicts (2 of 4 stars). 2 submissions from 2 submitters: Uncertain significance (2). Last evaluated 2025-05-03.

Conditions:
Hereditary cancer-predisposing syndrome. Also called: Neoplastic Syndromes, Hereditary; Tumor predisposition; Hereditary Cancer Syndrome; Hereditary neoplastic syndrome. Identifiers: Orphanet 140162, MedGen C0027672, MeSH D009386, MONDO:0015356.

Submissions (2):

Labcorp Genetics (formerly Invitae), Labcorp
Classification: Uncertain significance. Last evaluated: 2025-05-03. Review status: criteria provided, single submitter. Criteria: Invitae Variant Classification Sherloc (09022015). Collection method: clinical testing. Allele origin: germline.
Comment: This sequence change replaces proline, which is neutral and non-polar, with arginine, which is basic and polar, at codon 25 of the NTHL1 protein (p.Pro25Arg). This variant is not present in population databases (gnomAD no frequency). This variant has not been reported in the literature in individuals affected with NTHL1-related conditions. ClinVar contains an entry for this variant (Variation ID: 2915103). An algorithm developed to predict the effect of missense changes on protein structure and function outputs the following: PolyPhen-2: "Benign". The arginine amino acid residue is found in multiple mammalian species, which suggests that this missense change does not adversely affect protein function. In summary, the available evidence is currently insufficient to determine the role of this variant in disease. Therefore, it has been classified as a Variant of Uncertain Significance.

Ambry Genetics
Classification: Uncertain significance for Hereditary cancer-predisposing syndrome. Last evaluated: 2024-06-25. Review status: criteria provided, single submitter. Criteria: Ambry Variant Classification Scheme 2023. Collection method: clinical testing. Allele origin: germline.
Comment: The p.P25R variant (also known as c.74C>G), located in coding exon 1 of the NTHL1 gene, results from a C to G substitution at nucleotide position 74. The proline at codon 25 is replaced by arginine, an amino acid with dissimilar properties. This amino acid position is conserved. In addition, this alteration is predicted to be tolerated by in silico analysis. Based on the available evidence, the clinical significance of this variant remains unclear.

NM_002528.7(NTHL1):c.50C>G (p.Pro17Arg)

Gene: NTHL1 (nth like DNA glycosylase 1; minus strand). Cytogenetic location: 16p13.3.
Variant type: single nucleotide variant.
Coding change: c.50C>G on transcript NM_002528.7 (MANE Select); coding-DNA position 50, C replaced by G.
Protein change: p.Pro17Arg; replaces proline 17 with arginine.
Molecular consequence: missense variant. On other transcripts: 5 prime UTR variant (1).
Genome position (GRCh38, 1-based): chr16:2,047,774, G>C on the plus strand (C>G on the coding strand, the complement: NTHL1 is on the minus strand). VCF-style: chr16-2047774-G-C. GRCh37 (hg19) VCF-style: chr16-2097775-G-C.
Other names: c.50C>G, p.Pro17Arg (NM_001318193.2); c.-129C>G (NM_001318194.2); c.74C>G (NM_002528.5); short protein forms P17R.
Identifiers: ClinVar variation 2915103 (VCV002915103.4), dbSNP rs1343729377, ClinGen allele CA394298496.